The following is an entry in ClinVar:

ClinVar aggregate classification (germline): Likely pathogenic (1 of 4 stars; one submission).

Submission:

GeneDx
Classification: Likely pathogenic. Last evaluated: 2025-06-26. Review status: criteria provided, single submitter. Criteria: GeneDx Variant Classification Process June 2021. Collection method: clinical testing. Allele origin: germline. Affected: yes.
Comment: Frameshift variant predicted to result in abnormal protein length as the last 664 amino acids are replaced with 42 different amino acids, and other similar variants have been reported in HGMD; Not observed at significant frequency in large population cohorts (gnomAD); Has not been previously published as pathogenic or benign to our knowledge

NM_006662.3(SRCAP):c.7699del (p.Ala2567fs)

Gene: SRCAP (Snf2 related CREBBP activator protein; plus strand). Cytogenetic location: 16p11.2.
Variant type: Deletion.
Coding change: c.7699del on transcript NM_006662.3 (MANE Select); coding-DNA position 7699, one base deleted (G; older notation c.7699delG).
Protein change: p.Ala2567fs; shifts the reading frame from alanine 2567.
Molecular consequence: frameshift variant.
Genome position (GRCh38, 1-based): chr16:30,737,739, G deleted; the last of 2 consecutive G bases (chr16:30,737,738-30,737,739); deleting either gives the same sequence. VCF-style (leftmost placement, unchanged base first): chr16-30737737-TG-T. GRCh37 (hg19) VCF-style: chr16-30749058-TG-T.
Other names: short protein forms A2567fs.
Identifiers: ClinVar variation 4540018 (VCV004540018.1).